The following is an entry in ClinVar:

ClinVar aggregate classification (germline): Likely benign. Review status: criteria provided, single submitter (1 of 4 stars). 2 submissions from 2 submitters: Likely benign (1). 1 of the submissions does not count toward it. Last evaluated 2024-12-25.

Conditions:
Capillary malformation-arteriovenous malformation syndrome. Also called: Capillary malformation-arteriovenous malformation. Identifiers: Orphanet 137667, MedGen C1842180, MONDO:0012016.
RASA1-related disorder. Also called: RASA1-related condition.

Allele frequency attached by ClinVar (database versions not stated): gnomAD 0.00001.
gnomAD v4.1: 70 of 1,585,830 alleles (0.0044%); highest among the groups gnomAD compares: Non-Finnish European, 0.0059%; no homozygotes.

Submissions (2):

Labcorp Genetics (formerly Invitae), Labcorp
Classification: Likely benign for Capillary malformation-arteriovenous malformation syndrome. Last evaluated: 2024-12-25. Review status: criteria provided, single submitter. Criteria: Invitae Variant Classification Sherloc (09022015). Collection method: clinical testing. Allele origin: germline.

PreventionGenetics, part of Exact Sciences
Classification: Likely benign for RASA1-related condition. Last evaluated: 2022-03-16. Review status: no assertion criteria provided. Collection method: clinical testing. Allele origin: germline. Not counted in ClinVar's aggregate classification.
Comment: This variant is classified as likely benign based on ACMG/AMP sequence variant interpretation guidelines (Richards et al. 2015 PMID: 25741868, with internal and published modifications).

NM_002890.3(RASA1):c.1454-6A>C

Genes: CCNH (cyclin H; minus strand), RASA1 (RAS p21 protein activator 1; plus strand). Cytogenetic location: 5q14.3.
Variant type: single nucleotide variant.
Coding change: c.1454-6A>C on transcript NM_002890.3 (MANE Select); 6 bases into the intron before coding-DNA position 1454, A replaced by C.
Molecular consequence: intron variant.
Genome position (GRCh38, 1-based): chr5:87,363,342, A>C. VCF-style: chr5-87363342-A-C. GRCh37 (hg19) VCF-style: chr5-86659159-A-C.
Other names: c.923-6A>C (NM_022650.3); c.933+31702T>G (NM_001364075.2).
Identifiers: ClinVar variation 1582507 (VCV001582507.10), dbSNP rs1041546774, ClinGen allele CA121800783.
Genomic context (GRCh38, chr5:87,363,342, plus strand): 5'-ATTTTAATAATATGTAGGATTTCACAATTGTTTGGCTAAGAGAAAACAATTTTTTTTTTT[A>C]AACAGGCAAAGGAAAACGTTGGAAAAATTTATATTTTATCTTAGAGGGTAGTGATGCCCA-3'